The following is an entry in ClinVar:

ClinVar aggregate classification (germline): Uncertain significance (1 of 4 stars; one submission).

Conditions:
Ehlers-Danlos syndrome, type 4 (EDSVASC). Also called: Ehlers-Danlos syndrome vascular type; Ehlers Danlos syndrome, ecchymotic type; Ehlers Danlos syndrome, arterial type; Ehlers Danlos syndrome, Sack-Barabas type; Ehlers-Danlos Syndrome Type IV. Identifiers: Orphanet 286, MedGen C0268338, MONDO:0017314, OMIM 130050.

Submission:

Labcorp Genetics (formerly Invitae), Labcorp
Classification: Uncertain significance for Ehlers-Danlos syndrome, type 4. Last evaluated: 2021-09-01. Review status: criteria provided, single submitter. Criteria: Invitae Variant Classification Sherloc (09022015). Collection method: clinical testing. Allele origin: germline.
Comment: This variant, c.3474_3491dup, results in the insertion of 6 amino acid(s) to the COL3A1 protein (p.Ile1160_Pro1165dup), but otherwise preserves the integrity of the reading frame. This variant is not present in population databases (ExAC no frequency). This variant has not been reported in the literature in individuals affected with COL3A1-related conditions. Experimental studies and prediction algorithms are not available or were not evaluated, and the functional significance of this variant is currently unknown. Algorithms developed to predict the effect of sequence changes on RNA splicing suggest that this variant may create or strengthen a splice site. In summary, the available evidence is currently insufficient to determine the role of this variant in disease. Therefore, it has been classified as a Variant of Uncertain Significance.

NM_000090.4(COL3A1):c.3474_3491dup (p.Ile1160_Pro1165dup)

Gene: COL3A1 (collagen type III alpha 1 chain; plus strand). Cytogenetic location: 2q32.2.
Variant type: Duplication.
Coding change: c.3474_3491dup on transcript NM_000090.4 (MANE Select); coding-DNA positions 3474 to 3491, 18 bases duplicated (TCCCATTGGACCACCAGG).
Protein change: p.Ile1160_Pro1165dup.
Molecular consequence: inframe insertion.
Genome position (GRCh38, 1-based): chr2:189,008,091-189,008,108, TCCCATTGGACCACCAGG duplicated; duplicating any 18 consecutive bases within chr2:189,008,086-189,008,108 gives the same sequence; the c. name uses the placement nearest the transcript's 3' end. VCF-style (leftmost placement, unchanged base first): chr2-189008085-T-TCCAGGTCCCATTGGACCA. GRCh37 (hg19) VCF-style: chr2-189872811-T-TCCAGGTCCCATTGGACCA.
Identifiers: ClinVar variation 641311 (VCV000641311.6), dbSNP rs1576472935, ClinGen allele CA915942251.